The following is an entry in ClinVar:

NM_001330311.2(DVL1):c.361C>T (p.His121Tyr)

Gene: DVL1 (dishevelled segment polarity protein 1; minus strand). Cytogenetic location: 1p36.33.
Variant type: single nucleotide variant.
Coding change: c.361C>T on transcript NM_001330311.2 (MANE Select); coding-DNA position 361, C replaced by T.
Protein change: p.His121Tyr; replaces histidine 121 with tyrosine.
Molecular consequence: missense variant.
Genome position (GRCh38, 1-based): chr1:1,342,364, G>A on the plus strand (C>T on the coding strand, the complement: DVL1 is on the minus strand). VCF-style: chr1-1342364-G-A. GRCh37 (hg19) VCF-style: chr1-1277744-G-A.
Other names: c.361C>T, p.His121Tyr (NM_004421.3); short protein forms H121Y.
Identifiers: ClinVar variation 5018017 (VCV005018017.1).

ClinVar aggregate classification (germline): Uncertain significance (1 of 4 stars; one submission).

Submission:

GeneDx
Classification: Uncertain significance. Last evaluated: 2026-04-02. Review status: criteria provided, single submitter. Criteria: GeneDx Variant Classification Process June 2021. Collection method: clinical testing. Allele origin: germline.
Comment: Not observed at significant frequency in large population cohorts (gnomAD); In silico analysis supports that this missense variant has a deleterious effect on protein structure/function; Has not been previously published as pathogenic or benign to our knowledge